The following is an entry in ClinVar:

ClinVar aggregate classification (germline): Uncertain significance. Review status: criteria provided, multiple submitters, no conflicts (2 of 4 stars). 2 submissions from 2 submitters: Uncertain significance (2). Last evaluated 2026-01-23.

Allele frequency attached by ClinVar (database versions not stated): ExAC 0.00001; gnomAD exomes 0.00002; TOPMed 0.00005; gnomAD 0.00006.
gnomAD v4.1: 36 of 1,614,012 alleles (0.0022%); highest among the groups gnomAD compares: African/African-American, 0.004%; no homozygotes.

Submissions (2):

Women's Health and Genetics/Laboratory Corporation of America, LabCorp
Classification: Uncertain significance. Last evaluated: 2026-01-23. Review status: criteria provided, single submitter. Criteria: LabCorp Variant Classification Summary - May 2015. Collection method: clinical testing. Allele origin: germline.

Labcorp Genetics (formerly Invitae), Labcorp
Classification: Uncertain significance. Last evaluated: 2024-11-22. Review status: criteria provided, single submitter. Criteria: Invitae Variant Classification Sherloc (09022015). Collection method: clinical testing. Allele origin: germline.
Comment: This sequence change replaces serine, which is neutral and polar, with phenylalanine, which is neutral and non-polar, at codon 782 of the EFL1 protein (p.Ser782Phe). This variant is present in population databases (rs772141299, gnomAD 0.005%). This variant has not been reported in the literature in individuals affected with EFL1-related conditions. ClinVar contains an entry for this variant (Variation ID: 1901025). Invitae Evidence Modeling of protein sequence and biophysical properties (such as structural, functional, and spatial information, amino acid conservation, physicochemical variation, residue mobility, and thermodynamic stability) indicates that this missense variant is not expected to disrupt EFL1 protein function with a negative predictive value of 80%. In summary, the available evidence is currently insufficient to determine the role of this variant in disease. Therefore, it has been classified as a Variant of Uncertain Significance.

NM_024580.6(EFL1):c.2345C>T (p.Ser782Phe)

Gene: EFL1 (elongation factor like GTPase 1; minus strand). Cytogenetic location: 15q25.2.
Variant type: single nucleotide variant.
Coding change: c.2345C>T on transcript NM_024580.6 (MANE Select); coding-DNA position 2345, C replaced by T.
Protein change: p.Ser782Phe; replaces serine 782 with phenylalanine.
Molecular consequence: missense variant. On other transcripts: non-coding transcript variant (1).
Genome position (GRCh38, 1-based): chr15:82,152,109, G>A on the plus strand (C>T on the coding strand, the complement: EFL1 is on the minus strand). VCF-style: chr15-82152109-G-A. GRCh37 (hg19) VCF-style: chr15-82444450-G-A.
Other names: c.2192C>T, p.Ser731Phe (NM_001040610.3); c.1556C>T, p.Ser519Phe (NM_001322844.2); c.2345C>T, p.Ser782Phe (NM_001322845.2); short protein forms S519F, S731F, S782F.
Identifiers: ClinVar variation 1901025 (VCV001901025.4), dbSNP rs772141299, ClinGen allele CA7697760.
Genomic context (GRCh38, chr15:82,152,109, plus strand): 5'-TCCCAAATTTTCTCTTGGGTCTTCTGATGAATCATGTGAGTATTTTCACCCTCATTCAAA[G>A]AGGATGTCAACTGCTCCATAGAACGAATCAAATCACTATTTTCTTCCAGAATCTGGGTGA-3'
Protein context (NP_078856.4, residues 772-792): LIRSMEQLTS[Ser782Phe]LNEGENTHMI